The following is an entry in ClinVar:

ClinVar aggregate classification (germline): Uncertain significance (1 of 4 stars; one submission).

Conditions:
Achondrogenesis type II (ACG2). Also called: ACHONDROGENESIS, LANGER-SALDINO TYPE; CHONDROGENESIS IMPERFECTA. Identifiers: Orphanet 932, Orphanet 93296, MedGen C0220685, MONDO:0008702, OMIM 200610.
Avascular necrosis of femoral head, primary, 1 (ANFH1). Also called: Avascular necrosis of femoral head, primary. Identifiers: Orphanet 86820, MedGen C4551562, MONDO:0054550, OMIM 608805.
Spondyloperipheral dysplasia. Also called: SPONDYLOPERIPHERAL DYSPLASIA WITH SHORT ULNA; Spondyloperipheral dysplasia-short ulna syndrome. Identifiers: Orphanet 1856, MedGen C0796173, MONDO:0010078, OMIM 271700.
Stickler syndrome type 1 (STL1). Also called: ARTHROOPHTHALMOPATHY, HEREDITARY PROGRESSIVE; STICKLER SYNDROME, MEMBRANOUS VITREOUS TYPE; STICKLER SYNDROME, VITREOUS TYPE 1; COL2A1-Related Stickler Syndrome. Identifiers: Orphanet 828, Orphanet 90653, MedGen C2020284, MONDO:0007160, OMIM 108300.
Platyspondylic dysplasia, Torrance type (PLSDT). Identifiers: Orphanet 85166, MedGen C1835437, MONDO:0007895, OMIM 151210.
Legg-Calve-Perthes disease. Also called: PERTHES DISEASE; Osteochondritis deformans; Coxa plana; Avascular necrosis of the capital femoral epiphysis. Identifiers: Orphanet 2380, MedGen C1442965, MONDO:0007885, OMIM 150600, HP:0005743.
Kniest dysplasia. Identifiers: Orphanet 485, MedGen C0265279, MONDO:0007987, OMIM 156550.
Spondyloepiphyseal dysplasia congenita (SEDC). Also called: SED CONGENITA; SPONDYLOEPIPHYSEAL DYSPLASIA, CONGENITAL TYPE. Identifiers: Orphanet 94068, MedGen C2745959, MONDO:0008471, OMIM 183900.
Spondyloepiphyseal dysplasia with metatarsal shortening. Also called: Pseudorheumatoid dysplasia progressive, with hypoplastic toes; CZECH DYSPLASIA, METATARSAL TYPE; SPONDYLOEPIPHYSEAL DYSPLASIA WITH PRECOCIOUS OSTEOARTHRITIS. Identifiers: Orphanet 137678, MedGen C1836683, MONDO:0012206, OMIM 609162.
Vitreoretinopathy with phalangeal epiphyseal dysplasia (VPED). Identifiers: MedGen C1852989, MONDO:0031001, OMIM 619248.
Multiple epiphyseal dysplasia, Beighton type. Identifiers: Orphanet 166011, MedGen C1851536, MONDO:0007562, OMIM 132450.
Namaqualand hip dysplasia (OSCDP). Also called: Mild spondyloepiphyseal dysplasia due to COL2A1 mutation with early-onset osteoarthritis. Identifiers: Orphanet 93279, MedGen C0432214, MONDO:0011496, OMIM 604864.
Spondyloepimetaphyseal dysplasia, Strudwick type (SEMDSTWK). Also called: DAPPLED METAPHYSIS SYNDROME; STRUDWICK SYNDROME. Identifiers: Orphanet 93346, MedGen C0700635, MONDO:0008476, OMIM 184250.
Spondylometaphyseal dysplasia, Schmidt type (SMDALG). Also called: SPONDYLOMETAPHYSEAL DYSPLASIA, ALGERIAN TYPE; SPONDYLOMETAPHYSEAL DYSPLASIA WITH SEVERE GENU VALGUM. Identifiers: Orphanet 93316, MedGen C1866688, MONDO:0008478, OMIM 184253.
Stickler syndrome, type I, nonsyndromic ocular. Also called: STICKLER SYNDROME, TYPE I, PREDOMINANTLY OCULAR; STICKLER SYNDROME, ATYPICAL. Identifiers: MedGen C1836080, MONDO:0012287, OMIM 609508.
Spondyloepiphyseal dysplasia, Stanescu type. Also called: SED, STANESCU TYPE; SPONDYLOEPIMETAPHYSEAL DYSPLASIA, STANESCU TYPE. Identifiers: Orphanet 459051, MedGen C4225273, MONDO:0014701, OMIM 616583.

Submission:

Juno Genomics, Hangzhou Juno Genomics, Inc
Classification: Uncertain significance for Multiple epiphyseal dysplasia, Beighton type; Vitreoretinopathy with phalangeal epiphyseal dysplasia; Achondrogenesis type II; Avascular necrosis of femoral head, primary, 1; Spondyloepiphyseal dysplasia with metatarsal shortening; Kniest dysplasia; Legg-Calve-Perthes disease; Namaqualand hip dysplasia; Platyspondylic dysplasia, Torrance type; Spondyloepiphyseal dysplasia congenita; Spondyloepimetaphyseal dysplasia, Strudwick type; Spondyloepiphyseal dysplasia, Stanescu type; Spondylometaphyseal dysplasia, Schmidt type; Spondyloperipheral dysplasia; Stickler syndrome type 1; Stickler syndrome, type I, nonsyndromic ocular. Review status: criteria provided, single submitter. Criteria: ACMG Guidelines, 2015. Collection method: clinical testing. Allele origin: germline. Affected: yes.
Comment: Absent from controls (or at extremely low frequency if recessive) in Genome Aggregation Database.;De novo (both maternity and paternity confirmed) in a patient with the disease and no family history.;Protein length changes due to in-frame deletions/insertions in a non-repeat region or stop-loss variants.

NM_001844.5(COL2A1):c.1761_1769del (p.587PGP[1])

Gene: COL2A1 (collagen type II alpha 1 chain; minus strand). Cytogenetic location: 12q13.11.
Variant type: Deletion.
Coding change: c.1761_1769del on transcript NM_001844.5 (MANE Select); coding-DNA positions 1761 to 1769, 9 bases deleted (TGGACCTCC; older notation c.1761_1769delTGGACCTCC).
Protein change: p.587PGP[1].
Molecular consequence: inframe deletion.
Genome position (GRCh38, 1-based): chr12:47,985,059-47,985,067, GGAGGTCCA deleted on the plus strand (TGGACCTCC on the coding strand, the reverse complement: COL2A1 is on the minus strand); deleting any 9 consecutive bases within chr12:47,985,059-47,985,070 gives the same sequence; the c. name uses the placement nearest the transcript's 3' end. VCF-style (leftmost placement, unchanged base first): chr12-47985058-TGGAGGTCCA-T. GRCh37 (hg19) VCF-style: chr12-48378841-TGGAGGTCCA-T.
Other names: c.1554_1562del, p.518PGP[1] (NM_033150.3).
Identifiers: ClinVar variation 5018870 (VCV005018870.1).